The following is an entry in ClinVar:

ClinVar aggregate classification (germline): Pathogenic/Likely pathogenic. Review status: criteria provided, multiple submitters, no conflicts (2 of 4 stars). 2 submissions from 2 submitters: Pathogenic (1); Likely pathogenic (1). Last evaluated 2024-10-24.

Conditions:
TCIRG1-related disorder. Also called: TCIRG1-related condition.

Allele frequency attached by ClinVar (database versions not stated): TOPMed 0.00001.

Submissions (2):

Blueprint Genetics
Classification: Likely pathogenic for TCIRG1-related disorders. Last evaluated: 2024-10-24. Review status: criteria provided, single submitter. Criteria: ACMG Guidelines, 2015. Collection method: clinical testing. Allele origin: germline. Affected: yes. Observed: 2 variant alleles.

Labcorp Genetics (formerly Invitae), Labcorp
Classification: Pathogenic. Last evaluated: 2023-01-26. Review status: criteria provided, single submitter. Criteria: Invitae Variant Classification Sherloc (09022015). Collection method: clinical testing. Allele origin: germline.
Comment: This premature translational stop signal has been observed in individual(s) with osteopetrosis (PMID: 22231430). This sequence change creates a premature translational stop signal (p.Trp476*) in the TCIRG1 gene. It is expected to result in an absent or disrupted protein product. Loss-of-function variants in TCIRG1 are known to be pathogenic (PMID: 10888887, 10942435, 11532986, 19448635). This variant is not present in population databases (gnomAD no frequency). For these reasons, this variant has been classified as Pathogenic.

Literature cited by the submitters: PubMed 22231430 (cited by Labcorp Genetics (formerly Invitae), Labcorp); PubMed 10888887 (cited by Labcorp Genetics (formerly Invitae), Labcorp); PubMed 10942435 (cited by Labcorp Genetics (formerly Invitae), Labcorp); PubMed 11532986 (cited by Labcorp Genetics (formerly Invitae), Labcorp); PubMed 19448635 (cited by Labcorp Genetics (formerly Invitae), Labcorp).

NM_006019.4(TCIRG1):c.1427G>A (p.Trp476Ter)

Gene: TCIRG1 (T cell immune regulator 1, ATPase H+ transporting V0 subunit a3; plus strand). Cytogenetic location: 11q13.2.
Variant type: single nucleotide variant.
Coding change: c.1427G>A on transcript NM_006019.4 (MANE Select); coding-DNA position 1427, G replaced by A.
Protein change: p.Trp476Ter; replaces tryptophan 476 with a stop codon.
Molecular consequence: nonsense.
Genome position (GRCh38, 1-based): chr11:68,047,768, G>A. VCF-style: chr11-68047768-G-A. GRCh37 (hg19) VCF-style: chr11-67815235-G-A.
Other names: c.533G>A, p.Trp178Ter (NM_001351059.2); c.779G>A, p.Trp260Ter (NM_006053.4); short protein forms W178*, W260*, W476*.
Identifiers: ClinVar variation 2832259 (VCV002832259.4), dbSNP rs1182508823, ClinGen allele CA381584147.